The following is an entry in ClinVar:

NM_004287.5(GOSR2):c.*1823C>T

Genes: GOSR2 (golgi SNAP receptor complex member 2; plus strand), LRRC37A2 (leucine rich repeat containing 37 member A2). Cytogenetic location: 17q21.32.
Variant type: single nucleotide variant.
Coding change: c.*1823C>T on transcript NM_004287.5 (MANE Select); 1823 bases downstream of the stop codon, C replaced by T.
Molecular consequence: 3 prime UTR variant. On other transcripts: synonymous variant (2), intron variant (1).
Genome position (GRCh38, 1-based): chr17:46,940,583, C>T. VCF-style: chr17-46940583-C-T. GRCh37 (hg19) VCF-style: chr17-45017949-C-T.
Other names: c.*1823C>T (NM_001321134.2, NM_001330252.2, NM_001353114.2 and 2 more transcripts); c.468C>T, p.His156= (NM_001353116.2); c.612C>T, p.His204= (NM_054022.4); c.583+1879C>T (NM_001321133.2).
Identifiers: ClinVar variation 383352 (VCV000383352.39), dbSNP rs142261376, ClinGen allele CA8621399.

ClinVar aggregate classification (germline): Benign/Likely benign. Review status: criteria provided, multiple submitters, no conflicts (2 of 4 stars). 5 submissions from 5 submitters: Benign (1); Likely benign (3). 1 of the submissions does not count toward it. Last evaluated 2026-03-01.

Conditions:
GOSR2-related disorder. Also called: GOSR2-related condition; GOSR2-related disorders.

Allele frequency attached by ClinVar (database versions not stated): 1000 Genomes Project 0.00060; 1000 Genomes Project 30x 0.00062; gnomAD 0.00090 and 0.00093; TOPMed 0.00097; ExAC 0.00101; gnomAD exomes 0.00104; ESP Exome Variant Server 0.00131.
gnomAD v4.1: 2,631 of 1,614,184 alleles (0.16%); highest among the groups gnomAD compares: Non-Finnish European, 0.21%; 3 homozygotes.

Submissions (5):

CeGaT Center for Human Genetics Tuebingen
Classification: Likely benign. Last evaluated: 2026-03-01. Review status: criteria provided, single submitter. Criteria: CeGaT Center For Human Genetics Tuebingen Variant Classification Criteria Version 2. Collection method: clinical testing. Allele origin: germline. Affected: yes. Observed: 5 variant alleles.
Comment: GOSR2: BP4, BP7

Blueprint Genetics
Classification: Likely benign. Last evaluated: 2024-11-23. Review status: criteria provided, single submitter. Criteria: ACMG Guidelines, 2015. Collection method: clinical testing. Allele origin: germline.

Athena Diagnostics
Classification: Benign. Last evaluated: 2019-10-08. Review status: criteria provided, single submitter. Criteria: Athena Diagnostics Criteria. Collection method: clinical testing. Allele origin: unknown.

GeneDx
Classification: Likely benign. Last evaluated: 2017-06-06. Review status: criteria provided, single submitter. Criteria: GeneDx Variant Classification (06012015). Collection method: clinical testing. Allele origin: germline. Affected: yes.
Comment: This variant is considered likely benign or benign based on one or more of the following criteria: it is a conservative change, it occurs at a poorly conserved position in the protein, it is predicted to be benign by multiple in silico algorithms, and/or has population frequency not consistent with disease.

PreventionGenetics, part of Exact Sciences
Classification: Likely benign for GOSR2-related condition. Last evaluated: 2019-06-18. Review status: no assertion criteria provided. Collection method: clinical testing. Allele origin: germline. Not counted in ClinVar's aggregate classification.
Comment: This variant is classified as likely benign based on ACMG/AMP sequence variant interpretation guidelines (Richards et al. 2015 PMID: 25741868, with internal and published modifications).

Literature cited by the submitters: PubMed 23449775 (cited by Athena Diagnostics).